The following is an entry in ClinVar:

ClinVar aggregate classification (germline): Uncertain significance (1 of 4 stars; one submission).

Conditions:
Dyskeratosis congenita. Identifiers: Orphanet 1775, MedGen C0265965, MONDO:0015780.

Submission:

Ambry Genetics
Classification: Uncertain significance for Dyskeratosis congenita. Last evaluated: 2019-09-16. Review status: criteria provided, single submitter. Criteria: Ambry Variant Classification Scheme 2023. Collection method: clinical testing. Allele origin: germline.
Comment: The p.E668Q variant (also known as c.2002G>C), located in coding exon 5 of the TERT gene, results from a G to C substitution at nucleotide position 2002. The glutamic acid at codon 668 is replaced by glutamine, an amino acid with highly similar properties. This amino acid position is highly conserved in available vertebrate species. In addition, this alteration is predicted to be deleterious by in silico analysis. Since supporting evidence is limited at this time, the clinical significance of this alteration remains unclear.

NM_198253.3(TERT):c.2002G>C (p.Glu668Gln)

Gene: TERT (telomerase reverse transcriptase; minus strand). Cytogenetic location: 5p15.33.
Variant type: single nucleotide variant.
Coding change: c.2002G>C on transcript NM_198253.3 (MANE Select); coding-DNA position 2002, G replaced by C.
Protein change: p.Glu668Gln; replaces glutamic acid 668 with glutamine.
Molecular consequence: missense variant. On other transcripts: non-coding transcript variant (2).
Genome position (GRCh38, 1-based): chr5:1,279,419, C>G on the plus strand (G>C on the coding strand, the complement: TERT is on the minus strand). VCF-style: chr5-1279419-C-G. GRCh37 (hg19) VCF-style: chr5-1279534-C-G.
Other names: c.2002G>C, p.Glu668Gln (NM_001193376.3, NM_003219.1); short protein forms E668Q.
Identifiers: ClinVar variation 1784270 (VCV001784270.2), dbSNP rs1368095577, ClinGen allele CA359080720.